The following is an entry in ClinVar:

ClinVar aggregate classification (germline): Uncertain significance (1 of 4 stars; one submission).

Conditions:
Hereditary pancreatitis (PCTT). Also called: Hereditary chronic pancreatitis; PRSS1-Related Hereditary Pancreatitis. Identifiers: Orphanet 676, MedGen C0238339, MONDO:0008185, OMIM 167800.

Allele frequency attached by ClinVar (database versions not stated): gnomAD exomes below 0.00001.

Submission:

Ambry Genetics
Classification: Uncertain significance for Hereditary pancreatitis. Last evaluated: 2019-05-31. Review status: criteria provided, single submitter. Criteria: Ambry Variant Classification Scheme 2023. Collection method: clinical testing. Allele origin: germline.
Comment: The p.H141Y variant (also known as c.421C>T), located in coding exon 4 of the CPA1 gene, results from a C to T substitution at nucleotide position 421. The histidine at codon 141 is replaced by tyrosine, an amino acid with similar properties. This amino acid position is poorly conserved in available vertebrate species. In addition, this alteration is predicted to be tolerated by in silico analysis. Since supporting evidence is limited at this time, the clinical significance of this alteration remains unclear.

NM_001868.4(CPA1):c.421C>T (p.His141Tyr)

Gene: CPA1 (carboxypeptidase A1; plus strand). Cytogenetic location: 7q32.2.
Variant type: single nucleotide variant.
Coding change: c.421C>T on transcript NM_001868.4 (MANE Select); coding-DNA position 421, C replaced by T.
Protein change: p.His141Tyr; replaces histidine 141 with tyrosine.
Molecular consequence: missense variant.
Genome position (GRCh38, 1-based): chr7:130,382,147, C>T. VCF-style: chr7-130382147-C-T. GRCh37 (hg19) VCF-style: chr7-130021988-C-T.
Other names: short protein forms H141Y.
Identifiers: ClinVar variation 824691 (VCV000824691.4), dbSNP rs1584851048, ClinGen allele CA369280927.